The following is an entry in ClinVar:

ClinVar aggregate classification (germline): Uncertain significance (1 of 4 stars; one submission).

Conditions:
Generalized epilepsy-paroxysmal dyskinesia syndrome (PNKD3). Also called: Generalized epilepsy and paroxysmal dyskinesia; Paroxysmal nonkinesigenic dyskinesia, 3, with or without generalized epilepsy. Identifiers: Orphanet 79137, MedGen C5574945, MONDO:0012276, OMIM 609446.

Submission:

Labcorp Genetics (formerly Invitae), Labcorp
Classification: Uncertain significance for Generalized epilepsy-paroxysmal dyskinesia syndrome. Last evaluated: 2022-07-03. Review status: criteria provided, single submitter. Criteria: Invitae Variant Classification Sherloc (09022015). Collection method: clinical testing. Allele origin: germline.
Comment: In summary, the available evidence is currently insufficient to determine the role of this variant in disease. Therefore, it has been classified as a Variant of Uncertain Significance. Algorithms developed to predict the effect of missense changes on protein structure and function are either unavailable or do not agree on the potential impact of this missense change (SIFT: "Deleterious"; PolyPhen-2: "Probably Damaging"; Align-GVGD: "Class C0"). This variant has not been reported in the literature in individuals affected with KCNMA1-related conditions. This variant is not present in population databases (gnomAD no frequency). This sequence change replaces serine, which is neutral and polar, with isoleucine, which is neutral and non-polar, at codon 1145 of the KCNMA1 protein (p.Ser1145Ile).

NM_001161352.2(KCNMA1):c.3608G>T (p.Ser1203Ile)

Gene: KCNMA1 (potassium calcium-activated channel subfamily M alpha 1; minus strand). Cytogenetic location: 10q22.3.
Variant type: single nucleotide variant.
Coding change: c.3608G>T on transcript NM_001161352.2 (MANE Select); coding-DNA position 3608, G replaced by T.
Protein change: p.Ser1203Ile; replaces serine 1203 with isoleucine.
Molecular consequence: missense variant.
Genome position (GRCh38, 1-based): chr10:76,887,369, C>A on the plus strand (G>T on the coding strand, the complement: KCNMA1 is on the minus strand). VCF-style: chr10-76887369-C-A. GRCh37 (hg19) VCF-style: chr10-78647127-C-A.
Other names: c.3446G>T, p.Ser1149Ile (NM_001014797.3); c.3557G>T, p.Ser1186Ile (NM_001161353.2); c.3284G>T, p.Ser1095Ile (NM_001271518.2); c.3524G>T, p.Ser1175Ile (NM_001271519.2); c.3443G>T, p.Ser1148Ile (NM_001322829.2, NM_001322836.2); c.3536G>T, p.Ser1179Ile (NM_001322830.2); c.3434G>T, p.Ser1145Ile (NM_001322832.2, NM_001410940.1, NM_002247.4); c.3527G>T, p.Ser1176Ile (NM_001322835.2, NM_001322837.2); and 1 more; short protein forms S1179I, S1186I, S1203I, S994I, S1095I, S1145I, S1148I, S1149I.
Identifiers: ClinVar variation 2126000 (VCV002126000.4), dbSNP rs2548005837, ClinGen allele CA377402652.